The following is an entry in ClinVar:

NM_000836.4(GRIN2D):c.3815T>C (p.Leu1272Pro)

Gene: GRIN2D (glutamate ionotropic receptor NMDA type subunit 2D; plus strand). Cytogenetic location: 19q13.33.
Variant type: single nucleotide variant.
Coding change: c.3815T>C on transcript NM_000836.4 (MANE Select); coding-DNA position 3815, T replaced by C.
Protein change: p.Leu1272Pro; replaces leucine 1272 with proline.
Molecular consequence: missense variant.
Genome position (GRCh38, 1-based): chr19:48,443,741, T>C. VCF-style: chr19-48443741-T-C. GRCh37 (hg19) VCF-style: chr19-48946998-T-C.
Other names: short protein forms L1272P.
Identifiers: ClinVar variation 5040379 (VCV005040379.1).

ClinVar aggregate classification (germline): Uncertain significance (1 of 4 stars; one submission).

Submission:

CeGaT Center for Human Genetics Tuebingen
Classification: Uncertain significance. Last evaluated: 2026-07-01. Review status: criteria provided, single submitter. Criteria: CeGaT Center For Human Genetics Tuebingen Variant Classification Criteria Version 2. Collection method: clinical testing. Allele origin: germline. Affected: yes. Observed: 1 variant allele.
Comment: GRIN2D: PM2